The following is an entry in ClinVar:

NM_012092.4(ICOS):c.509C>T (p.Ser170Leu)

Gene: ICOS (inducible T cell costimulator; plus strand). Cytogenetic location: 2q33.2.
Variant type: single nucleotide variant.
Coding change: c.509C>T on transcript NM_012092.4 (MANE Select); coding-DNA position 509, C replaced by T.
Protein change: p.Ser170Leu; replaces serine 170 with leucine.
Molecular consequence: missense variant.
Genome position (GRCh38, 1-based): chr2:203,957,806, C>T. VCF-style: chr2-203957806-C-T. GRCh37 (hg19) VCF-style: chr2-204822529-C-T.
Other names: short protein forms S170L.
Identifiers: ClinVar variation 1382325 (VCV001382325.6), dbSNP rs2105755520, ClinGen allele CA350140597.

ClinVar aggregate classification (germline): Uncertain significance (1 of 4 stars; one submission).

Conditions:
Immunodeficiency, common variable, 1. Also called: ANTIBODY DEFICIENCY DUE TO ICOS DEFECT. Identifiers: Orphanet 1572, Orphanet 695183, MedGen C3149378, MONDO:0011864, OMIM 607594.

Submission:

Labcorp Genetics (formerly Invitae), Labcorp
Classification: Uncertain significance for Immunodeficiency, common variable, 1. Last evaluated: 2021-09-19. Review status: criteria provided, single submitter. Criteria: Invitae Variant Classification Sherloc (09022015). Collection method: clinical testing. Allele origin: germline.
Comment: This sequence change replaces serine with leucine at codon 170 of the ICOS protein (p.Ser170Leu). The serine residue is weakly conserved and there is a large physicochemical difference between serine and leucine. This variant is not present in population databases (ExAC no frequency). This variant has not been reported in the literature in individuals affected with ICOS-related conditions. Algorithms developed to predict the effect of missense changes on protein structure and function (SIFT, PolyPhen-2, Align-GVGD) all suggest that this variant is likely to be tolerated. In summary, the available evidence is currently insufficient to determine the role of this variant in disease. Therefore, it has been classified as a Variant of Uncertain Significance.